The following is an entry in ClinVar:

ClinVar aggregate classification (germline): Uncertain significance (1 of 4 stars; one submission).

gnomAD v4.1: 1 of 1,614,036 alleles (0.000062%); highest among the groups gnomAD compares: Non-Finnish European, 0.000085%; no homozygotes.

Submission:

Labcorp Genetics (formerly Invitae), Labcorp
Classification: Uncertain significance. Last evaluated: 2025-07-31. Review status: criteria provided, single submitter. Criteria: Invitae Variant Classification Sherloc (09022015). Collection method: clinical testing. Allele origin: germline.
Comment: This sequence change replaces methionine, which is neutral and non-polar, with valine, which is neutral and non-polar, at codon 487 of the UTP4 protein (p.Met487Val). This variant is not present in population databases (gnomAD no frequency). This variant has not been reported in the literature in individuals affected with UTP4-related conditions. Invitae Evidence Modeling of protein sequence and biophysical properties (such as structural, functional, and spatial information, amino acid conservation, physicochemical variation, residue mobility, and thermodynamic stability) indicates that this missense variant is not expected to disrupt UTP4 protein function with a negative predictive value of 80%. In summary, the available evidence is currently insufficient to determine the role of this variant in disease. Therefore, it has been classified as a Variant of Uncertain Significance.

NM_032830.3(UTP4):c.1459A>G (p.Met487Val)

Gene: UTP4 (UTP4 small subunit processome component). Cytogenetic location: 16q22.1.
Variant type: single nucleotide variant.
Coding change: c.1459A>G on transcript NM_032830.3 (MANE Select); coding-DNA position 1459, A replaced by G.
Protein change: p.Met487Val; replaces methionine 487 with valine.
Molecular consequence: missense variant.
Genome position (GRCh38, 1-based): chr16:69,160,370, A>G. VCF-style: chr16-69160370-A-G. GRCh37 (hg19) VCF-style: chr16-69194273-A-G.
Other names: c.1210A>G, p.Met404Val (NM_001318391.2); short protein forms M404V, M487V.
Identifiers: ClinVar variation 4765998 (VCV004765998.1).